The following is an entry in ClinVar:

ClinVar aggregate classification (germline): Uncertain significance (1 of 4 stars; one submission).

Conditions:
Inborn genetic diseases. Identifiers: MedGen C0950123, MeSH D030342.

Submission:

Ambry Genetics
Classification: Uncertain significance for Inborn genetic diseases. Last evaluated: 2025-09-07. Review status: criteria provided, single submitter. Criteria: Ambry Variant Classification Scheme 2023. Collection method: clinical testing. Allele origin: germline.
Comment: The p.S302N variant (also known as c.905G>A), located in coding exon 7 of the FANCG gene, results from a G to A substitution at nucleotide position 905. The serine at codon 302 is replaced by asparagine, an amino acid with highly similar properties. This amino acid position is conserved. In addition, this alteration is predicted to be tolerated by in silico analysis. Based on the available evidence, the clinical significance of this variant remains unclear.

NM_004629.2(FANCG):c.905G>A (p.Ser302Asn)

Gene: FANCG (FA complementation group G; minus strand). Cytogenetic location: 9p13.3.
Variant type: single nucleotide variant.
Coding change: c.905G>A on transcript NM_004629.2 (MANE Select); coding-DNA position 905, G replaced by A.
Protein change: p.Ser302Asn; replaces serine 302 with asparagine.
Molecular consequence: missense variant.
Genome position (GRCh38, 1-based): chr9:35,076,743, C>T on the plus strand (G>A on the coding strand, the complement: FANCG is on the minus strand). VCF-style: chr9-35076743-C-T. GRCh37 (hg19) VCF-style: chr9-35076740-C-T.
Other names: short protein forms S302N.
Identifiers: ClinVar variation 4254500 (VCV004254500.1).
Genomic context (GRCh38, chr9:35,076,743, plus strand): 5'-AGGAATCCTCCACCCCACATCTTCACCTGGCAGTTCCCTACCTCAACTAGCAGCTCCAGA[C>T]TCTCCAGCTCTGCTGTTGTGTCCCCCAGTTGCTGATAGAGCCTAGAGGCCTCCAGAAGTG-3'
Protein context (NP_004620.1, residues 292-312): QLGDTTAELE[Ser302Asn]LELLVEALNV